The following is an entry in ClinVar:

ClinVar aggregate classification (germline): Likely benign. Review status: reviewed by expert panel (3 of 4 stars). 2 submissions from 2 submitters: Likely benign (1). 1 of the submissions does not count toward it. Last evaluated 2017-06-29.

Conditions:
Breast-ovarian cancer, familial, susceptibility to, 1 (BROVCA1). Also called: OVARIAN CANCER, SUSCEPTIBILITY TO; BRCA1 Hereditary Breast and Ovarian Cancer. Identifiers: Orphanet 145, MedGen C2676676, MONDO:0011450, OMIM 604370. Disease mechanism: loss of function.

Submissions (2):

Evidence-based Network for the Interpretation of Germline Mutant Alleles (ENIGMA)
Classification: Likely benign for Breast-ovarian cancer, familial, susceptibility to, 1. Last evaluated: 2017-06-29. Review status: reviewed by expert panel. Criteria: ENIGMA BRCA1/2 Classification Criteria (2017-06-29). Collection method: curation. Allele origin: germline.
Comment: Synonymous substitution variant, with low bioinformatic likelihood to result in a splicing aberration (Splicing prior probability 0.02).

Breast Cancer Information Core (BIC) (BRCA1)
Classification: Uncertain significance for Breast-ovarian cancer, familial 1. Last evaluated: 2000-01-01. Review status: no assertion criteria provided. Collection method: clinical testing. Allele origin: germline. Affected: yes. Observed: 1 variant allele. Not counted in ClinVar's aggregate classification.

NM_007294.4(BRCA1):c.2568T>C (p.Tyr856=)

Gene: BRCA1 (BRCA1 DNA repair associated; minus strand). Cytogenetic location: 17q21.31.
Variant type: single nucleotide variant.
Coding change: c.2568T>C on transcript NM_007294.4 (MANE Select); coding-DNA position 2568, T replaced by C.
Protein change: p.Tyr856=; no amino-acid change (tyrosine 856 retained).
Molecular consequence: synonymous variant. On other transcripts: intron variant (137).
Genome position (GRCh38, 1-based): chr17:43,092,963, A>G on the plus strand (T>C on the coding strand, the complement: BRCA1 is on the minus strand). VCF-style: chr17-43092963-A-G. GRCh37 (hg19) VCF-style: chr17-41244980-A-G.
Other names: 2687T/C; c.2355T>C, p.Tyr785= (NM_001407571.1, NM_001407853.1, NM_001407894.1 and 9 more transcripts); c.2568T>C, p.Tyr856= (NM_001407581.1, NM_001407582.1, NM_001407583.1 and 30 more transcripts); c.2565T>C, p.Tyr855= (NM_001407587.1, NM_001407590.1, NM_001407591.1 and 22 more transcripts); c.2559T>C, p.Tyr853= (NM_001407646.1, NM_001407647.1); c.2445T>C, p.Tyr815= (NM_001407648.1, NM_001407664.1, NM_001407665.1 and 19 more transcripts); c.2442T>C, p.Tyr814= (NM_001407649.1, NM_001407670.1, NM_001407671.1 and 11 more transcripts); c.2490T>C, p.Tyr830= (NM_001407653.1, NM_001407654.1, NM_001407655.1 and 4 more transcripts); and 42 more.
Identifiers: ClinVar variation 54605 (VCV000054605.4), dbSNP rs80356832, ClinGen allele CA001693.